The following is an entry in ClinVar:

ClinVar aggregate classification (germline): Uncertain significance (1 of 4 stars; one submission).

Conditions:
Woodhouse-Sakati syndrome. Also called: Hypogonadism, Alopecia, Diabetes Mellitus, Mental Retardation, and Extrapyramidal Syndrome; Hypogonadism, diabetes mellitus, alopecia, mental retardation and electrocardiographic abnormalities; EXTRAPYRAMIDAL DISORDER, PROGRESSIVE, WITH PRIMARY HYPOGONADISM, MENTAL RETARDATION, AND ALOPECIA. Identifiers: Orphanet 3464, MedGen C0342286, MONDO:0009419, OMIM 241080.

Submission:

Labcorp Genetics (formerly Invitae), Labcorp
Classification: Uncertain significance for Woodhouse-Sakati syndrome. Last evaluated: 2022-10-25. Review status: criteria provided, single submitter. Criteria: Invitae Variant Classification Sherloc (09022015). Collection method: clinical testing. Allele origin: germline.
Comment: This sequence change replaces glutamine, which is neutral and polar, with arginine, which is basic and polar, at codon 183 of the DCAF17 protein (p.Gln183Arg). This variant is not present in population databases (gnomAD no frequency). This variant has not been reported in the literature in individuals affected with DCAF17-related conditions. ClinVar contains an entry for this variant (Variation ID: 1438398). Advanced modeling of protein sequence and biophysical properties (such as structural, functional, and spatial information, amino acid conservation, physicochemical variation, residue mobility, and thermodynamic stability) performed at Invitae indicates that this missense variant is not expected to disrupt DCAF17 protein function. In summary, the available evidence is currently insufficient to determine the role of this variant in disease. Therefore, it has been classified as a Variant of Uncertain Significance.

NM_025000.4(DCAF17):c.548A>G (p.Gln183Arg)

Gene: DCAF17 (DDB1 and CUL4 associated factor 17; plus strand). Cytogenetic location: 2q31.1.
Variant type: single nucleotide variant.
Coding change: c.548A>G on transcript NM_025000.4 (MANE Select); coding-DNA position 548, A replaced by G.
Protein change: p.Gln183Arg; replaces glutamine 183 with arginine.
Molecular consequence: missense variant. On other transcripts: non-coding transcript variant (1).
Genome position (GRCh38, 1-based): chr2:171,453,134, A>G. VCF-style: chr2-171453134-A-G. GRCh37 (hg19) VCF-style: chr2-172309644-A-G.
Other names: c.548A>G, p.Gln183Arg (NM_001164821.2); short protein forms Q183R.
Identifiers: ClinVar variation 1438398 (VCV001438398.6), dbSNP rs2105761550, ClinGen allele CA349277065.